The following is an entry in ClinVar:

ClinVar aggregate classification (germline): Uncertain significance. Review status: criteria provided, multiple submitters, no conflicts (2 of 4 stars). 2 submissions from 2 submitters: Uncertain significance (2). Last evaluated 2024-04-29.

Conditions:
Familial cancer of breast. Also called: BREAST CANCER, FAMILIAL; Hereditary breast cancer; hereditary breast carcinoma. Identifiers: Orphanet 227535, MedGen C0346153, MONDO:0016419, OMIM 114480. Disease mechanism: loss of function.
Hereditary cancer-predisposing syndrome. Also called: Hereditary Cancer Syndrome; Hereditary neoplastic syndrome; Neoplastic Syndromes, Hereditary; Tumor predisposition. Identifiers: Orphanet 140162, MedGen C0027672, MeSH D009386, MONDO:0015356.

Submissions (2):

Labcorp Genetics (formerly Invitae), Labcorp
Classification: Uncertain significance for Familial cancer of breast. Last evaluated: 2024-04-29. Review status: criteria provided, single submitter. Criteria: Invitae Variant Classification Sherloc (09022015). Collection method: clinical testing. Allele origin: germline.
Comment: This sequence change replaces lysine, which is basic and polar, with glutamic acid, which is acidic and polar, at codon 1098 of the PALB2 protein (p.Lys1098Glu). This variant is not present in population databases (gnomAD no frequency). This variant has not been reported in the literature in individuals affected with PALB2-related conditions. ClinVar contains an entry for this variant (Variation ID: 1446392). An algorithm developed to predict the effect of missense changes on protein structure and function (PolyPhen-2) suggests that this variant is likely to be tolerated. In summary, the available evidence is currently insufficient to determine the role of this variant in disease. Therefore, it has been classified as a Variant of Uncertain Significance.

Ambry Genetics
Classification: Uncertain significance for Hereditary cancer-predisposing syndrome. Last evaluated: 2024-01-31. Review status: criteria provided, single submitter. Criteria: Ambry Variant Classification Scheme 2023. Collection method: clinical testing. Allele origin: germline.
Comment: The p.K1098E variant (also known as c.3292A>G), located in coding exon 12 of the PALB2 gene, results from an A to G substitution at nucleotide position 3292. The lysine at codon 1098 is replaced by glutamic acid, an amino acid with similar properties. This amino acid position is conserved. In addition, this alteration is predicted to be tolerated by in silico analysis. Based on the available evidence, the clinical significance of this alteration remains unclear.

NM_024675.4(PALB2):c.3292A>G (p.Lys1098Glu)

Gene: PALB2 (partner and localizer of BRCA2; minus strand). Cytogenetic location: 16p12.2.
Variant type: single nucleotide variant.
Coding change: c.3292A>G on transcript NM_024675.4 (MANE Select); coding-DNA position 3292, A replaced by G.
Protein change: p.Lys1098Glu; replaces lysine 1098 with glutamic acid.
Molecular consequence: missense variant.
Genome position (GRCh38, 1-based): chr16:23,607,922, T>C on the plus strand (A>G on the coding strand, the complement: PALB2 is on the minus strand). VCF-style: chr16-23607922-T-C. GRCh37 (hg19) VCF-style: chr16-23619243-T-C.
Other names: c.3292A>G (NM_024675.3); short protein forms K1098E.
Identifiers: ClinVar variation 1446392 (VCV001446392.10), dbSNP rs2142272407, ClinGen allele CA395139543.